The following is an entry in ClinVar:

NM_001111.5(ADAR):c.2099A>G (p.Glu700Gly)

Gene: ADAR (adenosine deaminase RNA specific; minus strand). Cytogenetic location: 1q21.3.
Variant type: single nucleotide variant.
Coding change: c.2099A>G on transcript NM_001111.5 (MANE Select); coding-DNA position 2099, A replaced by G.
Protein change: p.Glu700Gly; replaces glutamic acid 700 with glycine.
Molecular consequence: missense variant. On other transcripts: intron variant (1).
Genome position (GRCh38, 1-based): chr1:154,596,976, T>C on the plus strand (A>G on the coding strand, the complement: ADAR is on the minus strand). VCF-style: chr1-154596976-T-C. GRCh37 (hg19) VCF-style: chr1-154569452-T-C.
Other names: c.2099A>G (NM_001111.4); c.1214A>G, p.Glu405Gly (NM_001025107.3, NM_001193495.2, NM_001365046.1 and 3 more transcripts); c.2126A>G, p.Glu709Gly (NM_001365045.1); c.2099A>G, p.Glu700Gly (NM_015840.4); c.2080-38A>G (NM_015841.4); short protein forms E405G, E700G, E709G.
Identifiers: ClinVar variation 1038539 (VCV001038539.8), dbSNP rs527888465, ClinGen allele CA1131364.

ClinVar aggregate classification (germline): Uncertain significance. Review status: criteria provided, multiple submitters, no conflicts (2 of 4 stars). 2 submissions from 2 submitters: Uncertain significance (2). Last evaluated 2025-12-08.

Conditions:
Symmetrical dyschromatosis of extremities (DSH). Also called: Dyschromatosis symmetrica hereditaria; RETICULATE ACROPIGMENTATION OF DOHI; DYSCHROMATOSIS SYMMETRICA HEREDITARIA 1; SYMMETRIC DYSCHROMATOSIS OF THE EXTREMITIES. Identifiers: Orphanet 41, MedGen C0406775, MONDO:0007483, OMIM 127400.
Aicardi-Goutieres syndrome 6 (AGS6). Identifiers: Orphanet 51, MedGen C3539013, MONDO:0014007, OMIM 615010.
Inborn genetic diseases. Identifiers: MedGen C0950123, MeSH D030342.

Allele frequency attached by ClinVar (database versions not stated): ExAC 0.00016; 1000 Genomes Project 0.00100; 1000 Genomes Project 30x 0.00094; gnomAD below 0.00001 and 0.00005; gnomAD exomes 0.00006 and 0.00012.
gnomAD v4.1: 89 of 1,614,174 alleles (0.0055%); highest among the groups gnomAD compares: South Asian, 0.093%; no homozygotes.

Submissions (2):

Labcorp Genetics (formerly Invitae), Labcorp
Classification: Uncertain significance for Aicardi-Goutieres syndrome 6; Symmetrical dyschromatosis of extremities. Last evaluated: 2025-12-08. Review status: criteria provided, single submitter. Criteria: Invitae Variant Classification Sherloc (09022015). Collection method: clinical testing. Allele origin: germline.
Comment: This sequence change replaces glutamic acid, which is acidic and polar, with glycine, which is neutral and non-polar, at codon 700 of the ADAR protein (p.Glu700Gly). This variant is present in population databases (rs527888465, gnomAD 0.1%). This variant has not been reported in the literature in individuals affected with ADAR-related conditions. ClinVar contains an entry for this variant (Variation ID: 1038539). Invitae Evidence Modeling of protein sequence and biophysical properties (such as structural, functional, and spatial information, amino acid conservation, physicochemical variation, residue mobility, and thermodynamic stability) indicates that this missense variant is not expected to disrupt ADAR protein function with a negative predictive value of 80%. In summary, the available evidence is currently insufficient to determine the role of this variant in disease. Therefore, it has been classified as a Variant of Uncertain Significance.

Ambry Genetics
Classification: Uncertain significance for Inborn genetic diseases. Last evaluated: 2025-08-01. Review status: criteria provided, single submitter. Criteria: Ambry Variant Classification Scheme 2023. Collection method: clinical testing. Allele origin: germline.